The following is an entry in ClinVar:

NM_001270.4(CHD1):c.3112A>G (p.Arg1038Gly)

Gene: CHD1 (chromodomain helicase DNA binding protein 1; minus strand). Cytogenetic location: 5q15.
Variant type: single nucleotide variant.
Coding change: c.3112A>G on transcript NM_001270.4 (MANE Select); coding-DNA position 3112, A replaced by G.
Protein change: p.Arg1038Gly; replaces arginine 1038 with glycine.
Molecular consequence: missense variant. On other transcripts: non-coding transcript variant (2).
Genome position (GRCh38, 1-based): chr5:98,879,677, T>C on the plus strand (A>G on the coding strand, the complement: CHD1 is on the minus strand). VCF-style: chr5-98879677-T-C. GRCh37 (hg19) VCF-style: chr5-98215381-T-C.
Other names: c.3112A>G, p.Arg1038Gly (NM_001364113.3, NM_001376194.2); short protein forms R1038G.
Identifiers: ClinVar variation 1311073 (VCV001311073.2), dbSNP rs2112381187, ClinGen allele CA360509270.

ClinVar aggregate classification (germline): Uncertain significance (1 of 4 stars; one submission).

Submission:

GeneDx
Classification: Uncertain significance. Last evaluated: 2020-01-16. Review status: criteria provided, single submitter. Criteria: GeneDx Variant Classification Process June 2021. Collection method: clinical testing. Allele origin: germline. Affected: yes.
Comment: Not observed in large population cohorts (Lek et al., 2016); In silico analysis, which includes protein predictors and evolutionary conservation, supports that this variant does not alter protein structure/function; Has not been previously published as pathogenic or benign to our knowledge